The following is an entry in ClinVar:

ClinVar aggregate classification (germline): Uncertain significance (1 of 4 stars; one submission).

Conditions:
Hereditary cancer-predisposing syndrome. Also called: Tumor predisposition; Hereditary neoplastic syndrome; Hereditary Cancer Syndrome; Neoplastic Syndromes, Hereditary. Identifiers: Orphanet 140162, MedGen C0027672, MeSH D009386, MONDO:0015356.

Submission:

Ambry Genetics
Classification: Uncertain significance for Hereditary cancer-predisposing syndrome. Last evaluated: 2025-06-01. Review status: criteria provided, single submitter. Criteria: Ambry Variant Classification Scheme 2023. Collection method: clinical testing. Allele origin: germline.
Comment: The p.L445V variant (also known as c.1333C>G), located in coding exon 12 of the TSC2 gene, results from a C to G substitution at nucleotide position 1333. The leucine at codon 445 is replaced by valine, an amino acid with highly similar properties. This amino acid position is conserved. In addition, this alteration is predicted to be deleterious by in silico analysis. Based on the available evidence, the clinical significance of this variant remains unclear.

NM_000548.5(TSC2):c.1333C>G (p.Leu445Val)

Gene: TSC2 (TSC complex subunit 2; plus strand). Cytogenetic location: 16p13.3.
Variant type: single nucleotide variant.
Coding change: c.1333C>G on transcript NM_000548.5 (MANE Select); coding-DNA position 1333, C replaced by G.
Protein change: p.Leu445Val; replaces leucine 445 with valine.
Molecular consequence: missense variant. On other transcripts: 5 prime UTR variant (10), non-coding transcript variant (5).
Genome position (GRCh38, 1-based): chr16:2,062,572, C>G. VCF-style: chr16-2062572-C-G. GRCh37 (hg19) VCF-style: chr16-2112573-C-G.
Other names: c.1333C>G, p.Leu445Val (NM_001077183.3, NM_001114382.3, NM_001363528.2 and 6 more transcripts); c.1222C>G, p.Leu408Val (NM_001318827.2, NM_001406670.1, NM_001406678.1); c.1186C>G, p.Leu396Val (NM_001318829.2, NM_001406675.1, NM_001406676.1 and 1 more transcripts); c.733C>G, p.Leu245Val (NM_001318831.2, NM_001406680.1, NM_001406682.1 and 6 more transcripts); c.1366C>G, p.Leu456Val (NM_001318832.2); c.1423C>G, p.Leu475Val (NM_001406667.1, NM_001406668.1); c.1321C>G, p.Leu441Val (NM_001406671.1, NM_001406673.1); c.1276C>G, p.Leu426Val (NM_001406677.1); and 3 more; short protein forms L245V, L456V, L396V, L475V, L291V, L426V, L441V, L445V.
Identifiers: ClinVar variation 3974699 (VCV003974699.1).